The following is an entry in ClinVar:

ClinVar aggregate classification (germline): Uncertain significance (1 of 4 stars; one submission).

Allele frequency attached by ClinVar (database versions not stated): TOPMed 0.00001.
gnomAD v4.1: 3 of 1,612,234 alleles (0.00019%); highest among the groups gnomAD compares: Middle Eastern, 0.017%; no homozygotes.

Submission:

Labcorp Genetics (formerly Invitae), Labcorp
Classification: Uncertain significance. Last evaluated: 2022-08-09. Review status: criteria provided, single submitter. Criteria: Invitae Variant Classification Sherloc (09022015). Collection method: clinical testing. Allele origin: germline.
Comment: In summary, the available evidence is currently insufficient to determine the role of this variant in disease. Therefore, it has been classified as a Variant of Uncertain Significance. Algorithms developed to predict the effect of sequence changes on RNA splicing suggest that this variant may disrupt the consensus splice site. ClinVar contains an entry for this variant (Variation ID: 1401192). This variant has not been reported in the literature in individuals affected with CACNA1E-related conditions. This variant is not present in population databases (gnomAD no frequency). This sequence change falls in intron 23 of the CACNA1E gene. It does not directly change the encoded amino acid sequence of the CACNA1E protein.

NM_001205293.3(CACNA1E):c.3552+14G>T

Gene: CACNA1E (calcium voltage-gated channel subunit alpha1 E; plus strand). Cytogenetic location: 1q25.3.
Variant type: single nucleotide variant.
Coding change: c.3552+14G>T on transcript NM_001205293.3 (MANE Select); 14 bases into the intron after coding-DNA position 3552, G replaced by T.
Molecular consequence: intron variant.
Genome position (GRCh38, 1-based): chr1:181,737,668, G>T. VCF-style: chr1-181737668-G-T. GRCh37 (hg19) VCF-style: chr1-181706804-G-T.
Other names: c.3552+14G>T (NM_000721.4); c.3495+14G>T (NM_001205294.2).
Identifiers: ClinVar variation 1401192 (VCV001401192.8), dbSNP rs1656176253, ClinGen allele CA1211210755.